The following is an entry in ClinVar:

ClinVar aggregate classification (germline): Uncertain significance. Review status: criteria provided, multiple submitters, no conflicts (2 of 4 stars). 3 submissions from 3 submitters: Uncertain significance (3). Last evaluated 2025-03-22.

Conditions:
Deficiency of alpha-mannosidase (MANSA). Also called: Mannosidosis, alpha-, types I and II; LYSOSOMAL ALPHA-D-MANNOSIDASE DEFICIENCY; Alpha-Mannosidosis. Identifiers: Orphanet 61, MedGen C0024748, MONDO:0009561, OMIM 248500.
Inborn genetic diseases. Identifiers: MedGen C0950123, MeSH D030342.

Allele frequency attached by ClinVar (database versions not stated): gnomAD 0.00001; TOPMed 0.00001; ExAC 0.00003; gnomAD exomes 0.00005; ESP Exome Variant Server 0.00008.

Submissions (3):

Ambry Genetics
Classification: Uncertain significance for Inborn genetic diseases. Last evaluated: 2025-03-22. Review status: criteria provided, single submitter. Criteria: Ambry Variant Classification Scheme 2023. Collection method: clinical testing. Allele origin: germline.

Blueprint Genetics
Classification: Uncertain significance. Last evaluated: 2024-04-15. Review status: criteria provided, single submitter. Criteria: ACMG Guidelines, 2015. Collection method: clinical testing. Allele origin: germline.

Labcorp Genetics (formerly Invitae), Labcorp
Classification: Uncertain significance for Deficiency of alpha-mannosidase. Last evaluated: 2022-05-25. Review status: criteria provided, single submitter. Criteria: Invitae Variant Classification Sherloc (09022015). Collection method: clinical testing. Allele origin: germline.
Comment: This sequence change replaces alanine, which is neutral and non-polar, with valine, which is neutral and non-polar, at codon 300 of the MAN2B1 protein (p.Ala300Val). This variant is present in population databases (rs199690827, gnomAD 0.007%). This variant has not been reported in the literature in individuals affected with MAN2B1-related conditions. Algorithms developed to predict the effect of missense changes on protein structure and function (SIFT, PolyPhen-2, Align-GVGD) all suggest that this variant is likely to be tolerated. In summary, the available evidence is currently insufficient to determine the role of this variant in disease. Therefore, it has been classified as a Variant of Uncertain Significance.

NM_000528.4(MAN2B1):c.899C>T (p.Ala300Val)

Gene: MAN2B1 (mannosidase alpha class 2B member 1; minus strand). Cytogenetic location: 19p13.13.
Variant type: single nucleotide variant.
Coding change: c.899C>T on transcript NM_000528.4 (MANE Select); coding-DNA position 899, C replaced by T.
Protein change: p.Ala300Val; replaces alanine 300 with valine.
Molecular consequence: missense variant.
Genome position (GRCh38, 1-based): chr19:12,663,327, G>A on the plus strand (C>T on the coding strand, the complement: MAN2B1 is on the minus strand). VCF-style: chr19-12663327-G-A. GRCh37 (hg19) VCF-style: chr19-12774141-G-A.
Other names: c.899C>T (NM_000528.3); c.899C>T, p.Ala300Val (NM_001173498.2); short protein forms A300V.
Identifiers: ClinVar variation 2193728 (VCV002193728.4), dbSNP rs199690827, ClinGen allele CA9226682.
Genomic context (GRCh38, chr19:12,663,327, plus strand): 5'-CTCATTGTATTGTATATACCGGACTCGAAGGTTCTGGACACCAGGGTTACCTGGGCAGTG[G>A]CCACATTTAGGAAGTAATCGACCAGCTCCTTGGCGTTGTACTCGGGGCTGCGAGGGTCCT-3'
Protein context (NP_000519.2, residues 290-310): KELVDYFLNV[Ala300Val]TAQGRYYRTN